The following is an entry in ClinVar:

NM_000338.3(SLC12A1):c.1523C>A (p.Ala508Asp)

Gene: SLC12A1 (solute carrier family 12 member 1; plus strand). Cytogenetic location: 15q21.1.
Variant type: single nucleotide variant.
Coding change: c.1523C>A on transcript NM_000338.3 (MANE Select); coding-DNA position 1523, C replaced by A.
Protein change: p.Ala508Asp; replaces alanine 508 with aspartic acid.
Molecular consequence: missense variant.
Genome position (GRCh38, 1-based): chr15:48,246,979, C>A. VCF-style: chr15-48246979-C-A. GRCh37 (hg19) VCF-style: chr15-48539176-C-A.
Other names: c.1523C>A, p.Ala508Asp (NM_001184832.2, NM_001384136.1); short protein forms A508D.
Identifiers: ClinVar variation 4701425 (VCV004701425.1).

ClinVar aggregate classification (germline): Likely pathogenic (1 of 4 stars; one submission).

gnomAD v4.1: 3 of 1,613,972 alleles (0.00019%); highest among the groups gnomAD compares: Admixed American, 0.0033%; no homozygotes.

Submission:

Labcorp Genetics (formerly Invitae), Labcorp
Classification: Likely pathogenic. Last evaluated: 2025-11-19. Review status: criteria provided, single submitter. Criteria: Invitae Variant Classification Sherloc (09022015). Collection method: clinical testing. Allele origin: germline.
Comment: This sequence change replaces alanine, which is neutral and non-polar, with aspartic acid, which is acidic and polar, at codon 508 of the SLC12A1 protein (p.Ala508Asp). This variant is not present in population databases (gnomAD no frequency). This missense change has been observed in individual(s) with Bartter syndrome type 1 (PMID: 37537162). Invitae Evidence Modeling of protein sequence and biophysical properties (such as structural, functional, and spatial information, amino acid conservation, physicochemical variation, residue mobility, and thermodynamic stability) indicates that this missense variant is expected to disrupt SLC12A1 protein function with a positive predictive value of 95%. This variant disrupts the p.Ala508 amino acid residue in SLC12A1. Other variant(s) that disrupt this residue have been determined to be pathogenic (PMID: 2809529, 9585600, 12761241, 19096086, 20219833, 25326637, 33973684). This suggests that this residue is clinically significant, and that variants that disrupt this residue are likely to be disease-causing. In summary, the currently available evidence indicates that the variant is pathogenic, but additional data are needed to prove that conclusively. Therefore, this variant has been classified as Likely Pathogenic.

Literature cited by the submitters: PubMed 37537162; PubMed 2809529; PubMed 9585600; PubMed 12761241; PubMed 19096086; PubMed 20219833; PubMed 25326637; PubMed 33973684.